The following is an entry in ClinVar:

ClinVar aggregate classification (germline): Uncertain significance. Review status: criteria provided, multiple submitters, no conflicts (2 of 4 stars). 3 submissions from 3 submitters: Uncertain significance (3). Last evaluated 2025-11-24.

Conditions:
Bardet-Biedl syndrome (BBS). Identifiers: Orphanet 110, MedGen C0752166, MONDO:0015229.
Bardet-Biedl syndrome 9 (BBS9). Identifiers: Orphanet 110, MedGen C1859567, MONDO:0014437, OMIM 615986.
BBS9-related disorder. Also called: BBS9-related condition.

Allele frequency attached by ClinVar (database versions not stated): gnomAD exomes below 0.00001 and 0.00001; ExAC 0.00001; gnomAD 0.00001; TOPMed 0.00002.
gnomAD v4.1: 6 of 1,613,266 alleles (0.00037%); highest among the groups gnomAD compares: African/African-American, 0.0053%; no homozygotes.

Submissions (3):

PreventionGenetics, part of Exact Sciences
Classification: Uncertain significance for BBS9-related condition. Last evaluated: 2025-11-24. Review status: criteria provided, single submitter. Criteria: ACMG Guidelines, 2015. Collection method: clinical testing. Allele origin: germline.
Comment: The BBS9 c.1481G>A variant is predicted to result in the amino acid substitution p.Ser494Asn. To our knowledge, this variant has not been reported in the literature. This variant is reported in 0.012% of alleles in individuals of African descent in gnomAD. At this time, the clinical significance of this variant is uncertain due to the absence of conclusive functional and genetic evidence.

Fulgent Genetics
Classification: Uncertain significance for Bardet-Biedl syndrome 9. Last evaluated: 2024-05-15. Review status: criteria provided, single submitter. Criteria: ACMG Guidelines, 2015. Collection method: clinical testing. Allele origin: germline.

Labcorp Genetics (formerly Invitae), Labcorp
Classification: Uncertain significance for Bardet-Biedl syndrome. Last evaluated: 2022-03-19. Review status: criteria provided, single submitter. Criteria: Invitae Variant Classification Sherloc (09022015). Collection method: clinical testing. Allele origin: germline.
Comment: This sequence change replaces serine, which is neutral and polar, with asparagine, which is neutral and polar, at codon 494 of the BBS9 protein (p.Ser494Asn). This variant is present in population databases (rs775868685, gnomAD 0.01%). This variant has not been reported in the literature in individuals affected with BBS9-related conditions. ClinVar contains an entry for this variant (Variation ID: 1036139). Algorithms developed to predict the effect of missense changes on protein structure and function output the following: SIFT: "Deleterious"; PolyPhen-2: "Benign"; Align-GVGD: "Class C45". The asparagine amino acid residue is found in multiple mammalian species, which suggests that this missense change does not adversely affect protein function. In summary, the available evidence is currently insufficient to determine the role of this variant in disease. Therefore, it has been classified as a Variant of Uncertain Significance.

NM_198428.3(BBS9):c.1481G>A (p.Ser494Asn)

Gene: BBS9 (Bardet-Biedl syndrome 9; plus strand). Cytogenetic location: 7p14.3.
Variant type: single nucleotide variant.
Coding change: c.1481G>A on transcript NM_198428.3 (MANE Select); coding-DNA position 1481, G replaced by A.
Protein change: p.Ser494Asn; replaces serine 494 with asparagine.
Molecular consequence: missense variant. On other transcripts: non-coding transcript variant (3), intron variant (5).
Genome position (GRCh38, 1-based): chr7:33,351,267, G>A. VCF-style: chr7-33351267-G-A. GRCh37 (hg19) VCF-style: chr7-33390879-G-A.
Other names: c.1481G>A (NM_198428.2); c.1481G>A, p.Ser494Asn (NM_001033605.2, NM_001348036.1, NM_001348041.4 and 2 more transcripts); c.1115G>A, p.Ser372Asn (NM_001348037.3, NM_001348045.3, NM_001348046.3); c.1208G>A, p.Ser403Asn (NM_001348038.3); c.1346G>A, p.Ser449Asn (NM_001348042.3); c.1160-1592G>A (NM_001348039.3); c.1433-1592G>A (NM_001033604.2); c.1432+2097G>A (NM_014451.4, NM_001348040.3); and 1 more; short protein forms S403N, S494N, S372N, S449N.
Identifiers: ClinVar variation 1036139 (VCV001036139.9), dbSNP rs775868685, ClinGen allele CA4214355.